The following is an entry in ClinVar:

ClinVar aggregate classification (germline): Conflicting classifications of pathogenicity. Review status: criteria provided, conflicting classifications (1 of 4 stars). 2 submissions from 2 submitters: Uncertain significance (1); Likely benign (1). Last evaluated 2026-03-17.

Conditions:
Cardiovascular phenotype. Identifiers: MedGen CN230736.

gnomAD v4.1: 14 of 1,550,246 alleles (0.0009%); highest among the groups gnomAD compares: Admixed American, 0.012%; no homozygotes.

Submissions (2):

Ambry Genetics
Classification: Likely benign for Cardiovascular phenotype. Last evaluated: 2026-03-17. Review status: criteria provided, single submitter. Criteria: Ambry Variant Classification Scheme 2023. Collection method: clinical testing. Allele origin: germline.

Labcorp Genetics (formerly Invitae), Labcorp
Classification: Uncertain significance. Last evaluated: 2025-12-24. Review status: criteria provided, single submitter. Criteria: Invitae Variant Classification Sherloc (09022015). Collection method: clinical testing. Allele origin: germline.
Comment: This sequence change replaces proline, which is neutral and non-polar, with serine, which is neutral and polar, at codon 1981 of the ZNF469 protein (p.Pro1981Ser). This variant is present in population databases (no rsID available, gnomAD 0.02%). This variant has not been reported in the literature in individuals affected with ZNF469-related conditions. ClinVar contains an entry for this variant (Variation ID: 3476138). An algorithm developed to predict the effect of missense changes on protein structure and function outputs the following: PolyPhen-2: "Possibly Damaging". The serine amino acid residue is found in multiple mammalian species, which suggests that this missense change does not adversely affect protein function. In summary, the available evidence is currently insufficient to determine the role of this variant in disease. Therefore, it has been classified as a Variant of Uncertain Significance.

NM_001367624.2(ZNF469):c.6025C>T (p.Pro2009Ser)

Gene: ZNF469 (zinc finger protein 469; plus strand). Cytogenetic location: 16q24.2.
Variant type: single nucleotide variant.
Coding change: c.6025C>T on transcript NM_001367624.2 (MANE Select); coding-DNA position 6025, C replaced by T.
Protein change: p.Pro2009Ser; replaces proline 2009 with serine.
Molecular consequence: missense variant.
Genome position (GRCh38, 1-based): chr16:88,433,495, C>T. VCF-style: chr16-88433495-C-T. GRCh37 (hg19) VCF-style: chr16-88499903-C-T.
Other names: NM_001127464.1:c.5941C>T; short protein forms P2009S.
Identifiers: ClinVar variation 3476138 (VCV003476138.3).